The following is an entry in ClinVar:

ClinVar aggregate classification (germline): Uncertain significance. Review status: criteria provided, multiple submitters, no conflicts (2 of 4 stars). 2 submissions from 2 submitters: Uncertain significance (2). Last evaluated 2023-10-13.

Conditions:
Hereditary cancer-predisposing syndrome. Also called: Hereditary Cancer Syndrome; Hereditary neoplastic syndrome; Neoplastic Syndromes, Hereditary; Tumor predisposition. Identifiers: Orphanet 140162, MedGen C0027672, MeSH D009386, MONDO:0015356.
Tuberous sclerosis 1 (TSC1). Identifiers: Orphanet 805, MedGen C1854465, MONDO:0008612, OMIM 191100.

Submissions (2):

Labcorp Genetics (formerly Invitae), Labcorp
Classification: Uncertain significance for Tuberous sclerosis 1. Last evaluated: 2023-10-13. Review status: criteria provided, single submitter. Criteria: Invitae Variant Classification Sherloc (09022015). Collection method: clinical testing. Allele origin: germline.
Comment: This sequence change replaces arginine, which is basic and polar, with glycine, which is neutral and non-polar, at codon 1027 of the TSC1 protein (p.Arg1027Gly). This variant is not present in population databases (gnomAD no frequency). This variant has not been reported in the literature in individuals affected with TSC1-related conditions. ClinVar contains an entry for this variant (Variation ID: 1727335). Advanced modeling of protein sequence and biophysical properties (such as structural, functional, and spatial information, amino acid conservation, physicochemical variation, residue mobility, and thermodynamic stability) performed at Invitae indicates that this missense variant is not expected to disrupt TSC1 protein function. In summary, the available evidence is currently insufficient to determine the role of this variant in disease. Therefore, it has been classified as a Variant of Uncertain Significance.

Ambry Genetics
Classification: Uncertain significance for Hereditary cancer-predisposing syndrome. Last evaluated: 2022-03-12. Review status: criteria provided, single submitter. Criteria: Ambry Variant Classification Scheme 2023. Collection method: clinical testing. Allele origin: germline.
Comment: The p.R1027G variant (also known as c.3079C>G), located in coding exon 21 of the TSC1 gene, results from a C to G substitution at nucleotide position 3079. The arginine at codon 1027 is replaced by glycine, an amino acid with dissimilar properties. This amino acid position is conserved. In addition, the in silico prediction for this alteration is inconclusive. Since supporting evidence is limited at this time, the clinical significance of this alteration remains unclear.

NM_000368.5(TSC1):c.3079C>G (p.Arg1027Gly)

Gene: TSC1 (TSC complex subunit 1; minus strand). Cytogenetic location: 9q34.13.
Variant type: single nucleotide variant.
Coding change: c.3079C>G on transcript NM_000368.5 (MANE Select); coding-DNA position 3079, C replaced by G.
Protein change: p.Arg1027Gly; replaces arginine 1027 with glycine.
Molecular consequence: missense variant.
Genome position (GRCh38, 1-based): chr9:132,896,651, G>C on the plus strand (C>G on the coding strand, the complement: TSC1 is on the minus strand). VCF-style: chr9-132896651-G-C. GRCh37 (hg19) VCF-style: chr9-135772038-G-C.
Other names: c.3079C>G, p.Arg1027Gly (NM_001406593.1, NM_001406594.1, NM_001406595.1 and 2 more transcripts); c.3076C>G, p.Arg1026Gly (NM_001162426.2, NM_001406599.1, NM_001406600.1 and 2 more transcripts); c.2926C>G, p.Arg976Gly (NM_001162427.2, NM_001406610.1); c.2716C>G, p.Arg906Gly (NM_001362177.2, NM_001406618.1, NM_001406619.1 and 4 more transcripts); c.3064C>G, p.Arg1022Gly (NM_001406601.1, NM_001406602.1); c.3061C>G, p.Arg1021Gly (NM_001406603.1, NM_001406604.1); c.3037C>G, p.Arg1013Gly (NM_001406605.1, NM_001406606.1, NM_001406607.1); c.3034C>G, p.Arg1012Gly (NM_001406608.1, NM_001406609.1); and 8 more; short protein forms R891G, R976G, R1012G, R1027G, R905G, R1013G, R709G, R906G.
Identifiers: ClinVar variation 1727335 (VCV001727335.5), dbSNP rs375394001, ClinGen allele CA375367554.